The following is an entry in ClinVar:

NM_002291.3(LAMB1):c.4061A>T (p.Asp1354Val)

Gene: LAMB1 (laminin subunit beta 1; minus strand). Cytogenetic location: 7q31.1.
Variant type: single nucleotide variant.
Coding change: c.4061A>T on transcript NM_002291.3 (MANE Select); coding-DNA position 4061, A replaced by T.
Protein change: p.Asp1354Val; replaces aspartic acid 1354 with valine.
Molecular consequence: missense variant.
Genome position (GRCh38, 1-based): chr7:107,935,542, T>A on the plus strand (A>T on the coding strand, the complement: LAMB1 is on the minus strand). VCF-style: chr7-107935542-T-A. GRCh37 (hg19) VCF-style: chr7-107575987-T-A.
Other names: short protein forms D1354V.
Identifiers: ClinVar variation 2048224 (VCV002048224.4), dbSNP rs2535399429, ClinGen allele CA368866162.
Genomic context (GRCh38, chr7:107,935,542, plus strand): 5'-TGCTCCTCTTGTTTTTCCTTGAACTGGGATTCTCGCTCCATCATCACGTCTTCTACTCTG[T>A]CTCTCATGAGGGCTGACTGCTCCACAGTGCTGTTGGGTTCTGTGGTGGAGGCATTCACCC-3'
Protein context (NP_002282.2, residues 1344-1364): STVEQSALMR[Asp1354Val]RVEDVMMERE

ClinVar aggregate classification (germline): Uncertain significance (1 of 4 stars; one submission).

Submission:

Labcorp Genetics (formerly Invitae), Labcorp
Classification: Uncertain significance. Last evaluated: 2021-12-19. Review status: criteria provided, single submitter. Criteria: Invitae Variant Classification Sherloc (09022015). Collection method: clinical testing. Allele origin: germline.
Comment: In summary, the available evidence is currently insufficient to determine the role of this variant in disease. Therefore, it has been classified as a Variant of Uncertain Significance. Algorithms developed to predict the effect of missense changes on protein structure and function are either unavailable or do not agree on the potential impact of this missense change (SIFT: "Deleterious"; PolyPhen-2: "Benign"; Align-GVGD: "Class C65"). This variant has not been reported in the literature in individuals affected with LAMB1-related conditions. This variant is not present in population databases (gnomAD no frequency). This sequence change replaces aspartic acid, which is acidic and polar, with valine, which is neutral and non-polar, at codon 1354 of the LAMB1 protein (p.Asp1354Val).